The following is an entry in ClinVar:

NM_000268.4(NF2):c.-5G>A

Gene: NF2 (NF2, moesin-ezrin-radixin like (MERLIN) tumor suppressor; plus strand). Cytogenetic location: 22q12.2.
Variant type: single nucleotide variant.
Coding change: c.-5G>A on transcript NM_000268.4 (MANE Select); 5 bases upstream of the start codon, G replaced by A.
Molecular consequence: 5 prime UTR variant. On other transcripts: non-coding transcript variant (1).
Genome position (GRCh38, 1-based): chr22:29,603,994, G>A. VCF-style: chr22-29603994-G-A. GRCh37 (hg19) VCF-style: chr22-29999983-G-A.
Other names: c.-235G>A (NM_001407053.1, NM_001407056.1); c.-5G>A (NM_001407054.1, NM_001407055.1, NM_001407057.1 and 15 more transcripts); c.-645G>A (NM_001407065.1); c.-261G>A (NM_001407067.1).
Identifiers: ClinVar variation 2453837 (VCV002453837.2), dbSNP rs1435515993, ClinGen allele CA2555595097.

ClinVar aggregate classification (germline): Uncertain significance (1 of 4 stars; one submission).

Conditions:
Hereditary cancer-predisposing syndrome. Also called: Neoplastic Syndromes, Hereditary; Hereditary neoplastic syndrome; Tumor predisposition; Hereditary Cancer Syndrome. Identifiers: Orphanet 140162, MedGen C0027672, MeSH D009386, MONDO:0015356.

Submission:

Ambry Genetics
Classification: Uncertain significance for Hereditary cancer-predisposing syndrome. Last evaluated: 2023-02-22. Review status: criteria provided, single submitter. Criteria: Ambry Variant Classification Scheme 2023. Collection method: clinical testing. Allele origin: germline.
Comment: The c.-5G>A variant is located in the 5' untranslated region (5&rsquo; UTR) of the NF2 gene. This variant results from a G to A substitution 5 bases upstream from the first translated codon. This nucleotide position is well conserved in available vertebrate species. Since supporting evidence is limited at this time, the clinical significance of this alteration remains unclear.